The following is an entry in ClinVar:

ClinVar aggregate classification (germline): Uncertain significance (1 of 4 stars; one submission).

Submission:

GeneDx
Classification: Uncertain significance. Last evaluated: 2022-05-04. Review status: criteria provided, single submitter. Criteria: GeneDx Variant Classification Process June 2021. Collection method: clinical testing. Allele origin: germline. Affected: yes.
Comment: Not observed at significant frequency in large population cohorts (gnomAD); In silico analysis supports that this missense variant does not alter protein structure/function; Has not been previously published as pathogenic or benign to our knowledge

NM_001372044.2(SHANK3):c.2897C>A (p.Ser966Tyr)

Gene: SHANK3 (SH3 and multiple ankyrin repeat domains 3; plus strand). Cytogenetic location: 22q13.33.
Variant type: single nucleotide variant.
Coding change: c.2897C>A on transcript NM_001372044.2 (MANE Select); coding-DNA position 2897, C replaced by A.
Protein change: p.Ser966Tyr; replaces serine 966 with tyrosine.
Molecular consequence: missense variant.
Genome position (GRCh38, 1-based): chr22:50,720,505, C>A. VCF-style: chr22-50720505-C-A. GRCh37 (hg19) VCF-style: chr22-51158933-C-A.
Other names: c.2672C>A, p.Ser891Tyr (NM_033517.1); short protein forms S891Y, S966Y.
Identifiers: ClinVar variation 1722817 (VCV001722817.2), dbSNP rs2518425363, ClinGen allele CA515259462.